The following is an entry in ClinVar:

NM_001605.3(AARS1):c.671+3A>G

Gene: AARS1 (alanyl-tRNA synthetase 1; minus strand). Cytogenetic location: 16q22.1.
Variant type: single nucleotide variant.
Coding change: c.671+3A>G on transcript NM_001605.3 (MANE Select); 3 bases into the intron after coding-DNA position 671, A replaced by G.
Molecular consequence: intron variant.
Genome position (GRCh38, 1-based): chr16:70,271,778, T>C on the plus strand (A>G on the coding strand, the complement: AARS1 is on the minus strand). VCF-style: chr16-70271778-T-C. GRCh37 (hg19) VCF-style: chr16-70305681-T-C.
Other names: p.?.
Identifiers: ClinVar variation 320351 (VCV000320351.19), dbSNP rs74024185, ClinGen allele CA8141075.

ClinVar aggregate classification (germline): Benign. Review status: criteria provided, multiple submitters, no conflicts (2 of 4 stars). 6 submissions from 6 submitters: Benign (6). Last evaluated 2026-02-03.

Conditions:
Charcot-Marie-Tooth disease axonal type 2N (CMT2N). Also called: CHARCOT-MARIE-TOOTH DISEASE, AXONAL, AUTOSOMAL DOMINANT, TYPE 2N; CHARCOT-MARIE-TOOTH NEUROPATHY, AXONAL, TYPE 2N; Charcot-Marie-Tooth Neuropathy Type 2N. Identifiers: Orphanet 228174, MedGen C2750090, MONDO:0013212, OMIM 613287.
Charcot-Marie-Tooth disease type 2. Also called: Charcot-Marie-Tooth type 2. Identifiers: Orphanet 64746, MedGen C0270914, MONDO:0018993.

Allele frequency attached by ClinVar (database versions not stated): gnomAD exomes 0.01799 and 0.00678; gnomAD 0.07668 and 0.07146; ESP Exome Variant Server 0.07787; 1000 Genomes Project 0.08367; ExAC 0.02212; TOPMed 0.07911; 1000 Genomes Project 30x 0.08885.
gnomAD v4.1: 21,270 of 1,613,802 alleles (1.3%); highest among the groups gnomAD compares: African/African-American, 25%; 2,435 homozygotes.

Submissions (6):

Labcorp Genetics (formerly Invitae), Labcorp
Classification: Benign for Charcot-Marie-Tooth disease type 2. Last evaluated: 2026-02-03. Review status: criteria provided, single submitter. Criteria: Invitae Variant Classification Sherloc (09022015). Collection method: clinical testing. Allele origin: germline.

Mendelics
Classification: Benign for Charcot-Marie-Tooth disease axonal type 2N. Last evaluated: 2019-05-28. Review status: criteria provided, single submitter. Criteria: Mendelics Assertion Criteria 2017. Collection method: clinical testing. Allele origin: unknown.

Illumina Laboratory Services, Illumina
Classification: Benign for Charcot-Marie-Tooth disease axonal type 2N. Last evaluated: 2018-01-13. Review status: criteria provided, single submitter. Criteria: ICSL Variant Classification Criteria 13 December 2019. Collection method: clinical testing. Allele origin: germline.
Comment: This variant was observed in the ICSL laboratory as part of a predisposition screen in an ostensibly healthy population. It had not been previously curated by ICSL or reported in the Human Gene Mutation Database (HGMD: prior to June 1st, 2018), and was therefore a candidate for classification through an automated scoring system. Utilizing variant allele frequency, disease prevalence and penetrance estimates, and inheritance mode, an automated score was calculated to assess if this variant is too frequent to cause the disease. Based on the score and internal cut-off values, a variant classified as benign is not then subjected to further curation. The score for this variant resulted in a classification of benign for this disease.

Mayo Clinic Laboratories, Mayo Clinic
Classification: Benign. Last evaluated: 2016-05-13. Review status: criteria provided, single submitter. Criteria: ACMG Guidelines, 2015. Collection method: clinical testing. Allele origin: germline. Observed: 46 variant alleles.

GeneDx
Classification: Benign. Last evaluated: 2015-03-03. Review status: criteria provided, single submitter. Criteria: GeneDx Variant Classification Process June 2021. Collection method: clinical testing. Allele origin: germline. Affected: yes.

Breakthrough Genomics
Classification: Benign. Review status: criteria provided, single submitter. Criteria: ACMG Guidelines, 2015. Collection method: not provided. Allele origin: germline. Inheritance: Autosomal recessive inheritance. Affected: yes.